The following is an entry in ClinVar:

ClinVar aggregate classification (germline): Pathogenic (1 of 4 stars; one submission).

Conditions:
Baller-Gerold syndrome (BGS). Also called: CRANIOSYNOSTOSIS WITH RADIAL DEFECTS. Identifiers: Orphanet 1225, MedGen C0265308, MONDO:0009039, OMIM 218600.

Allele frequency attached by ClinVar (database versions not stated): gnomAD exomes below 0.00001; TOPMed below 0.00001; ExAC 0.00001; ESP Exome Variant Server 0.00008.

Submission:

Labcorp Genetics (formerly Invitae), Labcorp
Classification: Pathogenic for Baller-Gerold syndrome. Last evaluated: 2023-10-19. Review status: criteria provided, single submitter. Criteria: Invitae Variant Classification Sherloc (09022015). Collection method: clinical testing. Allele origin: germline.
Comment: This sequence change creates a premature translational stop signal (p.Tyr1107*) in the RECQL4 gene. It is expected to result in an absent or disrupted protein product. Loss-of-function variants in RECQL4 are known to be pathogenic (PMID: 12734318, 12952869). This variant is present in population databases (rs376392965, gnomAD 0.007%). This variant has not been reported in the literature in individuals affected with RECQL4-related conditions. ClinVar contains an entry for this variant (Variation ID: 1073779). Algorithms developed to predict the effect of sequence changes on RNA splicing suggest that this variant may disrupt the consensus splice site. For these reasons, this variant has been classified as Pathogenic.

Literature cited by the submitters: PubMed 12734318; PubMed 12952869.

NM_004260.4(RECQL4):c.3321C>G (p.Tyr1107Ter)

Gene: RECQL4 (RecQ like helicase 4; minus strand). Cytogenetic location: 8q24.3.
Variant type: single nucleotide variant.
Coding change: c.3321C>G on transcript NM_004260.4 (MANE Select); coding-DNA position 3321, C replaced by G.
Protein change: p.Tyr1107Ter; replaces tyrosine 1107 with a stop codon.
Molecular consequence: nonsense.
Genome position (GRCh38, 1-based): chr8:144,511,983, G>C on the plus strand (C>G on the coding strand, the complement: RECQL4 is on the minus strand). VCF-style: chr8-144511983-G-C. GRCh37 (hg19) VCF-style: chr8-145737366-G-C.
Other names: short protein forms Y1107*.
Identifiers: ClinVar variation 1073779 (VCV001073779.5), dbSNP rs376392965, ClinGen allele CA4947816.